The following is an entry in ClinVar:

NM_000238.4(KCNH2):c.2724_2728dup (p.Pro910fs)

Gene: KCNH2 (potassium voltage-gated channel subfamily H member 2; minus strand). Cytogenetic location: 7q36.1.
Variant type: Duplication.
Coding change: c.2724_2728dup on transcript NM_000238.4 (MANE Select); coding-DNA positions 2724 to 2728, 5 bases duplicated (GGGGC; older notation c.2724_2728dupGGGGC).
Protein change: p.Pro910fs; shifts the reading frame from proline 910.
Molecular consequence: frameshift variant.
Genome position (GRCh38, 1-based): chr7:150,947,843-150,947,847, GCCCC duplicated on the plus strand (GGGGC on the coding strand, the reverse complement: KCNH2 is on the minus strand). VCF-style (leftmost placement, unchanged base first): chr7-150947842-G-GGCCCC. GRCh37 (hg19) VCF-style: chr7-150644930-G-GGCCCC.
Other names: c.2724_2728dupGGGGC (NM_000238.2, NM_000238.3); c.1704_1708dup, p.Pro570fs (NM_172057.3); short protein forms P910fs, P570fs.
Identifiers: ClinVar variation 200660 (VCV000200660.12), dbSNP rs794728449, ClinGen allele CA305326.

ClinVar aggregate classification (germline): Pathogenic/Likely pathogenic. Review status: criteria provided, multiple submitters, no conflicts (2 of 4 stars). 4 submissions from 4 submitters: Pathogenic (3); Likely pathogenic (1). Last evaluated 2023-09-29.

Conditions:
Familial long QT syndrome (RWS). Also called: VENTRICULAR FIBRILLATION WITH PROLONGED QT INTERVAL; Romano-Ward syndrome; Congenital long QT syndrome. Identifiers: Orphanet 768, MedGen C1141890, MONDO:0019171.
Long QT syndrome (LQTS). Identifiers: MedGen C0023976, MeSH D008133, MONDO:0002442. Disease mechanism: loss of function. Inheritance: Various modes of inheritance.
Cardiovascular phenotype. Identifiers: MedGen CN230736.

Allele frequency attached by ClinVar (database versions not stated): gnomAD exomes below 0.00001; gnomAD 0.00001; TOPMed 0.00001.

Submissions (4):

Laboratory for Molecular Medicine, Mass General Brigham Personalized Medicine
Classification: Likely pathogenic for Familial long QT syndrome. Last evaluated: 2023-09-29. Review status: criteria provided, single submitter. Criteria: ACMG Guidelines, 2015. Collection method: clinical testing. Allele origin: germline. Inheritance: Autosomal dominant inheritance.
Comment: The p.Pro910ArgfsX66 variant in KCNH2 has not been reported in the literature in individuals with KCNH2-associated disorders but has been reported by other clinical laboratories in ClinVar (Variation ID: 200660). It was absent from large population studies (gnomAD v.3.1.2). This variant is predicted to cause a frameshift, which alters the protein’s amino acid sequence beginning at position 910 and leads to a premature termination codon 66 amino acids downstream. This alteration is then predicted to lead to a truncated or absent protein. Heterozygous loss of function of the KCNH2 gene is an established disease mechanism in autosomal dominant long QT syndrome. In summary, although additional studies are required to fully establish its clinical significance, this variant meets criteria to be classified as likely pathogenic for autosomal dominant long QT syndrome. ACMG/AMP Criteria applied: PVS1, PM2_Supporting.

Labcorp Genetics (formerly Invitae), Labcorp
Classification: Pathogenic for Long QT syndrome. Last evaluated: 2023-05-11. Review status: criteria provided, single submitter. Criteria: Invitae Variant Classification Sherloc (09022015). Collection method: clinical testing. Allele origin: germline.
Comment: For these reasons, this variant has been classified as Pathogenic. ClinVar contains an entry for this variant (Variation ID: 200660). This premature translational stop signal has been observed in individual(s) with long QT syndrome (PMID: 34319147). This variant is not present in population databases (gnomAD no frequency). This sequence change creates a premature translational stop signal (p.Pro910Argfs*66) in the KCNH2 gene. It is expected to result in an absent or disrupted protein product. Loss-of-function variants in KCNH2 are known to be pathogenic (PMID: 10973849, 19862833).

Ambry Genetics
Classification: Pathogenic for Cardiovascular phenotype. Last evaluated: 2021-03-24. Review status: criteria provided, single submitter. Criteria: Ambry Variant Classification Scheme 2023. Collection method: clinical testing. Allele origin: germline.
Comment: The c.2724_2728dupGGGGC pathogenic mutation, located in coding exon 12 of the KCNH2 gene, results from a duplication of GGGGC at nucleotide position 2724, causing a translational frameshift with a predicted alternate stop codon (p.P910Rfs*66). This alteration is expected to result in loss of function by premature protein truncation or nonsense-mediated mRNA decay. As such, this alteration is interpreted as a disease-causing mutation.

GeneDx
Classification: Pathogenic. Last evaluated: 2021-02-02. Review status: criteria provided, single submitter. Criteria: GeneDx Variant Classification Process June 2021. Collection method: clinical testing. Allele origin: germline. Affected: yes.
Comment: Has not been previously published as pathogenic or benign to our knowledge; Reported in ClinVar as a pathogenic variant (ClinVar Variant ID#200660; Landrum et al., 2016); Not observed in large population cohorts (Lek et al., 2016); Frameshift variant predicted to result in protein truncation or nonsense mediated decay in a gene for which loss-of-function is a known mechanism of disease

Literature cited by the submitters: PubMed 34319147 (cited by Labcorp Genetics (formerly Invitae), Labcorp); PubMed 10973849 (cited by Labcorp Genetics (formerly Invitae), Labcorp); PubMed 19862833 (cited by Labcorp Genetics (formerly Invitae), Labcorp).